The following is an entry in ClinVar:

NM_014171.6(CRIPT):c.281A>G (p.Lys94Arg)

Gene: CRIPT (CXXC repeat containing interactor of PDZ3 domain; plus strand). Cytogenetic location: 2p21.
Variant type: single nucleotide variant.
Coding change: c.281A>G on transcript NM_014171.6 (MANE Select); coding-DNA position 281, A replaced by G.
Protein change: p.Lys94Arg; replaces lysine 94 with arginine.
Molecular consequence: missense variant.
Genome position (GRCh38, 1-based): chr2:46,624,202, A>G. VCF-style: chr2-46624202-A-G. GRCh37 (hg19) VCF-style: chr2-46851341-A-G.
Other names: short protein forms K94R.
Identifiers: ClinVar variation 3664074 (VCV003664074.2).

ClinVar aggregate classification (germline): Uncertain significance (1 of 4 stars; one submission).

Submission:

Labcorp Genetics (formerly Invitae), Labcorp
Classification: Uncertain significance. Last evaluated: 2024-11-04. Review status: criteria provided, single submitter. Criteria: Invitae Variant Classification Sherloc (09022015). Collection method: clinical testing. Allele origin: germline.
Comment: This sequence change replaces lysine, which is basic and polar, with arginine, which is basic and polar, at codon 94 of the CRIPT protein (p.Lys94Arg). This variant is not present in population databases (gnomAD no frequency). This variant has not been reported in the literature in individuals affected with CRIPT-related conditions. An algorithm developed to predict the effect of missense changes on protein structure and function (PolyPhen-2) suggests that this variant is likely to be tolerated. In summary, the available evidence is currently insufficient to determine the role of this variant in disease. Therefore, it has been classified as a Variant of Uncertain Significance.